The following is an entry in ClinVar:

NM_174936.4(PCSK9):c.1308G>C (p.Leu436=)

Gene: PCSK9 (proprotein convertase subtilisin/kexin type 9; plus strand). Cytogenetic location: 1p32.3.
Variant type: single nucleotide variant.
Coding change: c.1308G>C on transcript NM_174936.4 (MANE Select); coding-DNA position 1308, G replaced by C.
Protein change: p.Leu436=; no amino-acid change (leucine 436 retained).
Molecular consequence: synonymous variant. On other transcripts: non-coding transcript variant (5), intron variant (2).
Genome position (GRCh38, 1-based): chr1:55,058,163, G>C. VCF-style: chr1-55058163-G-C. GRCh37 (hg19) VCF-style: chr1-55523836-G-C.
Other names: c.1431G>C, p.Leu477= (NM_001407240.1); c.1308G>C, p.Leu436= (NM_001407241.1); c.1311G>C, p.Leu437= (NM_001407242.1); c.1251G>C, p.Leu417= (NM_001407243.1); c.1116G>C, p.Leu372= (NM_001407245.1); c.933G>C, p.Leu311= (NM_001407246.1); c.1181-336G>C (NM_001407244.1); c.1180+649G>C (NM_001407247.1).
Identifiers: ClinVar variation 3069723 (VCV003069723.1), dbSNP rs1450724489, ClinGen allele CA417960206.

ClinVar aggregate classification (germline): Likely benign (1 of 4 stars; one submission).

Conditions:
Hypercholesterolemia, autosomal dominant, 3 (FHCL3). Also called: PCSK9-Related Familial Hypercholesterolemia, Autosomal Dominant; Familial Hypercholesterolemia, Autosomal Dominant, 3; Familial hypercholesterolemia 3. Identifiers: MedGen C1863551, MONDO:0011369, OMIM 603776.

Allele frequency attached by ClinVar (database versions not stated): gnomAD exomes below 0.00001; TOPMed below 0.00001.
gnomAD v4.1: 1 of 1,613,548 alleles (0.000062%); highest among the groups gnomAD compares: Non-Finnish European, 0.000085%; no homozygotes.

Submission:

All of Us Research Program, National Institutes of Health
Classification: Likely benign for Hypercholesterolemia, autosomal dominant, 3. Last evaluated: 2023-04-27. Review status: criteria provided, single submitter. Criteria: ACMG Guidelines, 2015. Collection method: clinical testing. Allele origin: germline. Inheritance: Autosomal dominant inheritance. Observed: 2 variant alleles, 2 heterozygotes.
Comment: This study involves interpretation of variants in research participants for the purpose of population health screening. Participant phenotype was not available at the time of variant classification. Additional details can be found in publication PMID: 35346344, PMCID: PMC8962531